The following is an entry in ClinVar:

ClinVar aggregate classification (germline): Uncertain significance (1 of 4 stars; one submission).

Conditions:
Charcot-Marie-Tooth disease type 2. Also called: Charcot-Marie-Tooth type 2. Identifiers: Orphanet 64746, MedGen C0270914, MONDO:0018993.

gnomAD v4.1: 22 of 1,613,752 alleles (0.0014%); highest among the groups gnomAD compares: Non-Finnish European, 0.0018%; no homozygotes.

Submission:

Labcorp Genetics (formerly Invitae), Labcorp
Classification: Uncertain significance for Charcot-Marie-Tooth disease type 2. Last evaluated: 2024-09-06. Review status: criteria provided, single submitter. Criteria: Invitae Variant Classification Sherloc (09022015). Collection method: clinical testing. Allele origin: germline.
Comment: This sequence change falls in intron 13 of the AARS gene. It does not directly change the encoded amino acid sequence of the AARS protein. It affects a nucleotide within the consensus splice site. This variant is present in population databases (rs781224347, gnomAD 0.002%). This variant has not been reported in the literature in individuals affected with AARS-related conditions. Variants that disrupt the consensus splice site are a relatively common cause of aberrant splicing (PMID: 17576681, 9536098). Algorithms developed to predict the effect of sequence changes on RNA splicing suggest that this variant is not likely to affect RNA splicing. In summary, the available evidence is currently insufficient to determine the role of this variant in disease. Therefore, it has been classified as a Variant of Uncertain Significance.

Literature cited by the submitters: PubMed 17576681; PubMed 9536098.

NM_001605.3(AARS1):c.1786-3C>T

Gene: AARS1 (alanyl-tRNA synthetase 1; minus strand). Cytogenetic location: 16q22.1.
Variant type: single nucleotide variant.
Coding change: c.1786-3C>T on transcript NM_001605.3 (MANE Select); 3 bases into the intron before coding-DNA position 1786, C replaced by T.
Molecular consequence: intron variant.
Genome position (GRCh38, 1-based): chr16:70,259,189, G>A on the plus strand (C>T on the coding strand, the complement: AARS1 is on the minus strand). VCF-style: chr16-70259189-G-A. GRCh37 (hg19) VCF-style: chr16-70293092-G-A.
Identifiers: ClinVar variation 3706042 (VCV003706042.2).